The following is an entry in ClinVar:

ClinVar aggregate classification (germline): Uncertain significance. Review status: criteria provided, multiple submitters, no conflicts (2 of 4 stars). 2 submissions from 2 submitters: Uncertain significance (2). Last evaluated 2025-07-14.

Conditions:
Inborn genetic diseases. Identifiers: MedGen C0950123, MeSH D030342.
Idiopathic generalized epilepsy. Also called: Generalised epilepsy; EIG. Identifiers: MedGen C0270850, MONDO:0005579, OMIM 600669.
Epilepsy, idiopathic generalized, susceptibility to, 13. Also called: EPILEPSY, JUVENILE MYOCLONIC, SUSCEPTIBILITY TO, 5. Identifiers: Orphanet 307, Orphanet 64280, MedGen C4013473, MONDO:0012627, OMIM 611136.
Epilepsy, childhood absence 4 (ECA4). Also called: EPILEPSY, CHILDHOOD ABSENCE, SUSCEPTIBILITY TO, 4. Identifiers: Orphanet 307, MedGen C1970160.

Allele frequency attached by ClinVar (database versions not stated): TOPMed below 0.00001; gnomAD 0.00001.
gnomAD v4.1: 7 of 1,606,046 alleles (0.00044%); highest among the groups gnomAD compares: Non-Finnish European, 0.0006%; no homozygotes.

Submissions (2):

Labcorp Genetics (formerly Invitae), Labcorp
Classification: Uncertain significance for Epilepsy, childhood absence 4; Epilepsy, idiopathic generalized, susceptibility to, 13; Idiopathic generalized epilepsy. Last evaluated: 2025-07-14. Review status: criteria provided, single submitter. Criteria: Invitae Variant Classification Sherloc (09022015). Collection method: clinical testing. Allele origin: germline.
Comment: This sequence change replaces leucine, which is neutral and non-polar, with isoleucine, which is neutral and non-polar, at codon 35 of the GABRA1 protein (p.Leu35Ile). This variant is present in population databases (no rsID available, gnomAD 0.0009%). This variant has not been reported in the literature in individuals affected with GABRA1-related conditions. ClinVar contains an entry for this variant (Variation ID: 1944676). Invitae Evidence Modeling of protein sequence and biophysical properties (such as structural, functional, and spatial information, amino acid conservation, physicochemical variation, residue mobility, and thermodynamic stability) indicates that this missense variant is not expected to disrupt GABRA1 protein function with a negative predictive value of 80%. In summary, the available evidence is currently insufficient to determine the role of this variant in disease. Therefore, it has been classified as a Variant of Uncertain Significance.

Ambry Genetics
Classification: Uncertain significance for Inborn genetic diseases. Last evaluated: 2024-12-09. Review status: criteria provided, single submitter. Criteria: Ambry Variant Classification Scheme 2023. Collection method: clinical testing. Allele origin: germline.

NM_001127644.2(GABRA1):c.103C>A (p.Leu35Ile)

Gene: GABRA1 (gamma-aminobutyric acid type A receptor subunit alpha1; plus strand). Cytogenetic location: 5q34.
Variant type: single nucleotide variant.
Coding change: c.103C>A on transcript NM_001127644.2 (MANE Select); coding-DNA position 103, C replaced by A.
Protein change: p.Leu35Ile; replaces leucine 35 with isoleucine.
Molecular consequence: missense variant.
Genome position (GRCh38, 1-based): chr5:161,854,186, C>A. VCF-style: chr5-161854186-C-A. GRCh37 (hg19) VCF-style: chr5-161281192-C-A.
Other names: c.103C>A, p.Leu35Ile (NM_000806.5, NM_001127643.2, NM_001127645.2 and 1 more transcripts); short protein forms L35I.
Identifiers: ClinVar variation 1944676 (VCV001944676.6), dbSNP rs1463015106, ClinGen allele CA362181500.